The following is an entry in ClinVar:

NM_018127.7(ELAC2):c.-19T>C

Gene: ELAC2 (elaC ribonuclease Z 2; minus strand). Cytogenetic location: 17p12.
Variant type: single nucleotide variant.
Coding change: c.-19T>C on transcript NM_018127.7 (MANE Select); 19 bases upstream of the start codon, T replaced by C.
Molecular consequence: 5 prime UTR variant.
Genome position (GRCh38, 1-based): chr17:13,017,966, A>G on the plus strand (T>C on the coding strand, the complement: ELAC2 is on the minus strand). VCF-style: chr17-13017966-A-G. GRCh37 (hg19) VCF-style: chr17-12921283-A-G.
Other names: c.-19T>C (NM_001165962.2, NM_173717.2).
Identifiers: ClinVar variation 390279 (VCV000390279.2), dbSNP rs757625951, ClinGen allele CA8401861.

ClinVar aggregate classification (germline): Likely benign. Review status: criteria provided, multiple submitters, no conflicts (2 of 4 stars). 2 submissions from 2 submitters: Likely benign (2). Last evaluated 2024-08-02.

Allele frequency attached by ClinVar (database versions not stated): ExAC 0.00009; gnomAD 0.00011; gnomAD exomes 0.00015 and 0.00033; TOPMed 0.00017.
gnomAD v4.1: 461 of 1,534,992 alleles (0.03%); highest among the groups gnomAD compares: Non-Finnish European, 0.039%; no homozygotes.

Submissions (2):

Blueprint Genetics
Classification: Likely benign. Last evaluated: 2024-08-02. Review status: criteria provided, single submitter. Criteria: ACMG Guidelines, 2015. Collection method: clinical testing. Allele origin: germline.

GeneDx
Classification: Likely benign. Last evaluated: 2016-11-02. Review status: criteria provided, single submitter. Criteria: GeneDx Variant Classification (06012015). Collection method: clinical testing. Allele origin: germline. Affected: yes.
Comment: This variant is considered likely benign or benign based on one or more of the following criteria: it is a conservative change, it occurs at a poorly conserved position in the protein, it is predicted to be benign by multiple in silico algorithms, and/or has population frequency not consistent with disease.